The following is an entry in ClinVar:

ClinVar aggregate classification (germline): Conflicting classifications of pathogenicity. Review status: criteria provided, conflicting classifications (1 of 4 stars). 6 submissions from 6 submitters: Likely pathogenic (2); Uncertain significance (3). 1 of the submissions does not count toward it. Last evaluated 2025-06-26.

Conditions:
Usher syndrome type 1B (USH1B). Also called: Usher syndrome type IB. Identifiers: MedGen C1848638, MONDO:0700087.
Usher syndrome type 1 (USH1). Also called: RETINITIS PIGMENTOSA AND CONGENITAL DEAFNESS. Identifiers: Orphanet 231169, Orphanet 886, MedGen C1568247, MONDO:0010168, OMIM 276900.
MYO7A-related disorder. Also called: MYO7A-related disorders.

Allele frequency attached by ClinVar (database versions not stated): gnomAD exomes below 0.00001.
gnomAD v4.1: 2 of 1,613,322 alleles (0.00012%); highest among the groups gnomAD compares: Admixed American, 0.0033%; no homozygotes.

Submissions (6):

Women's Health and Genetics/Laboratory Corporation of America, LabCorp
Classification: Uncertain significance. Last evaluated: 2025-06-26. Review status: criteria provided, single submitter. Criteria: LabCorp Variant Classification Summary - May 2015. Collection method: clinical testing. Allele origin: germline.
Comment: Variant summary: MYO7A c.3509A>G (p.Glu1170Gly) results in a non-conservative amino acid change in the encoded protein sequence. Algorithms developed to predict the effect of missense changes on protein structure and function all suggest that this variant is likely to be disruptive. The variant allele was found at a frequency of 4e-06 in 248640 control chromosomes. The available data on variant occurrences in the general population are insufficient to allow any conclusion about variant significance. c.3509A>G has been observed in an individual affected with bilateral sensorineural hearing loss, with no second allele specified (Carlson_2023). This report does not provide unequivocal conclusions about association of the variant with Usher Syndrome. To our knowledge, no experimental evidence demonstrating an impact on protein function has been reported. The following publication have been ascertained in the context of this evaluation (PMID: 36633841). ClinVar contains an entry for this variant (Variation ID: 1025532). Based on the evidence outlined above, the variant was classified as uncertain significance.

Labcorp Genetics (formerly Invitae), Labcorp
Classification: Likely pathogenic. Last evaluated: 2025-02-10. Review status: criteria provided, single submitter. Criteria: Invitae Variant Classification Sherloc (09022015). Collection method: clinical testing. Allele origin: germline.
Comment: This sequence change replaces glutamic acid, which is acidic and polar, with glycine, which is neutral and non-polar, at codon 1170 of the MYO7A protein (p.Glu1170Gly). This variant is present in population databases (no rsID available, gnomAD 0.003%). This missense change has been observed in individual(s) with MYO7A-related conditions (PMID: 36633841). ClinVar contains an entry for this variant (Variation ID: 1025532). Invitae Evidence Modeling of protein sequence and biophysical properties (such as structural, functional, and spatial information, amino acid conservation, physicochemical variation, residue mobility, and thermodynamic stability) indicates that this missense variant is expected to disrupt MYO7A protein function with a positive predictive value of 95%. This variant disrupts the p.Glu1170 amino acid residue in MYO7A. Other variant(s) that disrupt this residue have been determined to be pathogenic (PMID: 10425080, 15043528, 21436283). This suggests that this residue is clinically significant, and that variants that disrupt this residue are likely to be disease-causing. In summary, the currently available evidence indicates that the variant is pathogenic, but additional data are needed to prove that conclusively. Therefore, this variant has been classified as Likely Pathogenic.

PreventionGenetics, part of Exact Sciences
Classification: Uncertain significance for MYO7A-related condition. Last evaluated: 2024-10-25. Review status: criteria provided, single submitter. Criteria: ACMG Guidelines, 2015. Collection method: clinical testing. Allele origin: germline.
Comment: The MYO7A c.3509A>G variant is predicted to result in the amino acid substitution p.Glu1170Gly. To our knowledge, this variant has not been reported in the literature. This variant is reported in 0.0029% of alleles in individuals of Latino descent in gnomAD. A different pathogenic amino acid substitution affecting this residue (p.Glu1170Lys) has been reported in multiple patients with Usher syndrome type 1 (Cuevas et al. 1999. PubMed ID: 10425080; Nájera et al 2002. PubMed ID: 12112664; Table S1, Bonnet et al. 2016. PubMed ID: 27460420, Roux et al. 2011. PubMed ID: 21436283). At this time, the clinical significance of this variant is uncertain due to the absence of conclusive functional and genetic evidence.

King Laboratory, University of Washington
Classification: Likely pathogenic for Usher syndrome type 1. Last evaluated: 2023-02-28. Review status: criteria provided, single submitter. Criteria: Li et al. (Genet Med. 2022). Collection method: research. Allele origin: unknown. Affected: yes.
Comment: This variant is a missense at a completely conserved site in a MyTH4 domain of the MYO7A protein and is predicted to be damaging by multiple in-silico tools. As of January 2023, this variant has been reported to ClinVar as likely pathogenic and is found in 1 heterozygote on gnomAD. Based on consistently predicted functional effect and goodness of fit of genotype to phenotype, we conclude that this variant is likely pathogenic.

Blueprint Genetics
Classification: Uncertain significance. Last evaluated: 2019-10-08. Review status: criteria provided, single submitter. Criteria: ACMG Guidelines, 2015. Collection method: clinical testing. Allele origin: germline.

Natera, Inc.
Classification: Uncertain significance for Usher syndrome type 1B. Last evaluated: 2020-12-07. Review status: no assertion criteria provided. Collection method: clinical testing. Allele origin: germline. Not counted in ClinVar's aggregate classification.

Literature cited by the submitters: PubMed 36633841 (cited by 3 submitters); PubMed 10425080 (cited by Labcorp Genetics (formerly Invitae), Labcorp); PubMed 15043528 (cited by Labcorp Genetics (formerly Invitae), Labcorp); PubMed 21436283 (cited by Labcorp Genetics (formerly Invitae), Labcorp).

NM_000260.4(MYO7A):c.3509A>G (p.Glu1170Gly)

Gene: MYO7A (myosin VIIA; plus strand). Cytogenetic location: 11q13.5.
Variant type: single nucleotide variant.
Coding change: c.3509A>G on transcript NM_000260.4 (MANE Select); coding-DNA position 3509, A replaced by G.
Protein change: p.Glu1170Gly; replaces glutamic acid 1170 with glycine.
Molecular consequence: missense variant.
Genome position (GRCh38, 1-based): chr11:77,189,349, A>G. VCF-style: chr11-77189349-A-G. GRCh37 (hg19) VCF-style: chr11-76900394-A-G.
Other names: c.3509A>G (NM_000260.3); c.3509A>G, p.Glu1170Gly (NM_001127180.2); c.3476A>G, p.Glu1159Gly (NM_001369365.1); short protein forms E1159G, E1170G.
Identifiers: ClinVar variation 1025532 (VCV001025532.16), dbSNP rs1555090196, ClinGen allele CA381946829.